The following is an entry in ClinVar:

ClinVar aggregate classification (germline): Uncertain significance (1 of 4 stars; one submission).

Submission:

Labcorp Genetics (formerly Invitae), Labcorp
Classification: Uncertain significance. Last evaluated: 2023-06-25. Review status: criteria provided, single submitter. Criteria: Invitae Variant Classification Sherloc (09022015). Collection method: clinical testing. Allele origin: germline.
Comment: This variant, c.1420_1425dup, results in the insertion of 2 amino acid(s) of the COMP protein (p.Asn474_Asp475dup), but otherwise preserves the integrity of the reading frame. In summary, the available evidence is currently insufficient to determine the role of this variant in disease. Therefore, it has been classified as a Variant of Uncertain Significance. Experimental studies and prediction algorithms are not available or were not evaluated, and the functional significance of this variant is currently unknown. This variant has been observed in individuals with clinical features of pseudoachondroplasia (PMID: 24595329; Invitae). This variant is not present in population databases (gnomAD no frequency).

Literature cited by the submitters: PubMed 24595329.

NM_000095.3(COMP):c.1420_1425dup (p.Asp475_Gly476insAsnAsp)

Gene: COMP (cartilage oligomeric matrix protein; minus strand). Cytogenetic location: 19p13.11.
Variant type: Duplication.
Coding change: c.1420_1425dup on transcript NM_000095.3 (MANE Select); coding-DNA positions 1420 to 1425, 6 bases duplicated (AATGAC; older notation c.1420_1425dupAATGAC).
Protein change: p.Asp475_Gly476insAsnAsp.
Molecular consequence: inframe insertion.
Genome position (GRCh38, 1-based): chr19:18,786,029-18,786,034, GTCATT duplicated on the plus strand (AATGAC on the coding strand, the reverse complement: COMP is on the minus strand); duplicating any 6 consecutive bases within chr19:18,786,029-18,786,037 gives the same sequence; the c. name uses the placement nearest the transcript's 3' end. VCF-style (leftmost placement, unchanged base first): chr19-18786028-C-CGTCATT. GRCh37 (hg19) VCF-style: chr19-18896838-C-CGTCATT.
Identifiers: ClinVar variation 2736855 (VCV002736855.3), dbSNP rs2512847500, ClinGen allele CA2695228427.